The following is an entry in ClinVar:

NM_182643.3(DLC1):c.2107A>T (p.Met703Leu)

Gene: DLC1 (DLC1 Rho GTPase activating protein; minus strand). Cytogenetic location: 8p22.
Variant type: single nucleotide variant.
Coding change: c.2107A>T on transcript NM_182643.3 (MANE Select); coding-DNA position 2107, A replaced by T.
Protein change: p.Met703Leu; replaces methionine 703 with leucine.
Molecular consequence: missense variant.
Genome position (GRCh38, 1-based): chr8:13,100,230, T>A on the plus strand (A>T on the coding strand, the complement: DLC1 is on the minus strand). VCF-style: chr8-13100230-T-A. GRCh37 (hg19) VCF-style: chr8-12957739-T-A.
Other names: c.796A>T, p.Met266Leu (NM_001413136.1, NM_001413139.1, NM_006094.5 and 1 more transcripts); c.547A>T, p.Met183Leu (NM_001413137.1, NM_001413131.1); c.574A>T, p.Met192Leu (NM_001413138.1, NM_001164271.2, NM_001348082.2 and 6 more transcripts); c.931A>T, p.Met311Leu (NM_001413140.1); c.898A>T, p.Met300Leu (NM_001316668.2, NM_001413129.1); c.2107A>T, p.Met703Leu (NM_001348081.2, NM_001413124.1); c.889A>T, p.Met297Leu (NM_001413130.1); c.1033A>T, p.Met345Leu (NM_001413132.1); short protein forms M192L, M300L, M703L, M183L, M297L, M266L, M311L, M345L.
Identifiers: ClinVar variation 2761414 (VCV002761414.3), dbSNP rs2537077531, ClinGen allele CA370346703.

ClinVar aggregate classification (germline): Uncertain significance (1 of 4 stars; one submission).

gnomAD v4.1: 1 of 1,614,138 alleles (0.000062%); highest among the groups gnomAD compares: Non-Finnish European, 0.000085%; no homozygotes.

Submission:

Labcorp Genetics (formerly Invitae), Labcorp
Classification: Uncertain significance. Last evaluated: 2024-06-03. Review status: criteria provided, single submitter. Criteria: Invitae Variant Classification Sherloc (09022015). Collection method: clinical testing. Allele origin: germline.
Comment: This sequence change replaces methionine, which is neutral and non-polar, with leucine, which is neutral and non-polar, at codon 703 of the DLC1 protein (p.Met703Leu). This variant is not present in population databases (gnomAD no frequency). This variant has not been reported in the literature in individuals affected with DLC1-related conditions. Algorithms developed to predict the effect of missense changes on protein structure and function output the following: SIFT: "Not Available"; PolyPhen-2: "Benign"; Align-GVGD: "Not Available". The leucine amino acid residue is found in multiple mammalian species, which suggests that this missense change does not adversely affect protein function. In summary, the available evidence is currently insufficient to determine the role of this variant in disease. Therefore, it has been classified as a Variant of Uncertain Significance.